The following is an entry in ClinVar:

ClinVar aggregate classification (germline): Pathogenic/Likely pathogenic. Review status: criteria provided, multiple submitters, no conflicts (2 of 4 stars). 2 submissions from 2 submitters: Pathogenic (1); Likely pathogenic (1). Last evaluated 2026-03-19.

Conditions:
Mitochondrial DNA depletion syndrome 1. Also called: Mitochondrial neurogastrointestinal encephalomyopathy syndrome; POLIP SYNDROME; POLYNEUROPATHY, OPHTHALMOPLEGIA, LEUKOENCEPHALOPATHY, AND INTESTINAL PSEUDOOBSTRUCTION; Mitochondrial Neurogastrointestinal Encephalopathy Disease; MITOCHONDRIAL NEUROGASTROINTESTINAL ENCEPHALOPATHY SYNDROME, TYMP-RELATED; MNGIE, TYMP-RELATED. Identifiers: Orphanet 298, MedGen C4551995, MONDO:0011283, OMIM 603041.

Submissions (2):

Myriad Genetics, Inc.
Classification: Pathogenic for Mitochondrial DNA depletion syndrome 1. Last evaluated: 2026-03-19. Review status: criteria provided, single submitter. Criteria: Myriad Autosomal Dominant, Autosomal Recessive and X-Linked Classification Criteria (2023). Collection method: clinical testing. Allele origin: unknown.
Comment: NM_001953.4(TYMP):c.554_561del8(V185Efs*2) is expected to be pathogenic in the context of mitochondrial neurogastrointestinal encephalopathy disease. This variant is predicted to lead to an abnormal or absent protein product due to the creation of a premature termination codon in TYMP, a gene where loss-of-function variants are known to be pathogenic. Please note: this variant was assessed in the context of healthy population screening.

Baylor Genetics
Classification: Likely pathogenic for Mitochondrial DNA depletion syndrome 1. Last evaluated: 2024-01-04. Review status: criteria provided, single submitter. Criteria: ACMG Guidelines, 2015. Collection method: clinical testing. Allele origin: unknown.

NM_001953.5(TYMP):c.554_561del (p.Val185fs)

Gene: TYMP (thymidine phosphorylase; minus strand). Cytogenetic location: 22q13.33.
Variant type: Deletion.
Coding change: c.554_561del on transcript NM_001953.5 (MANE Select); coding-DNA positions 554 to 561, 8 bases deleted (TGGGTCAG; older notation c.554_561delTGGGTCAG).
Protein change: p.Val185fs; shifts the reading frame from valine 185.
Molecular consequence: frameshift variant.
Genome position (GRCh38, 1-based): chr22:50,527,673-50,527,680, CTGACCCA deleted on the plus strand (TGGGTCAG on the coding strand, the reverse complement: TYMP is on the minus strand); deleting any 8 consecutive bases within chr22:50,527,673-50,527,681 gives the same sequence; the c. name uses the placement nearest the transcript's 3' end. VCF-style (leftmost placement, unchanged base first): chr22-50527672-TCTGACCCA-T. GRCh37 (hg19) VCF-style: chr22-50966101-TCTGACCCA-T.
Other names: c.554_561del, p.Val185fs (NM_001113755.3, NM_001113756.3, NM_001257988.1 and 1 more transcripts); short protein forms V185fs.
Identifiers: ClinVar variation 3240673 (VCV003240673.2), dbSNP rs2522530917.